The following is an entry in ClinVar:

NM_001376.5(DYNC1H1):c.6249A>G (p.Gln2083=)

Gene: DYNC1H1 (dynein cytoplasmic 1 heavy chain 1; plus strand). Cytogenetic location: 14q32.31.
Variant type: single nucleotide variant.
Coding change: c.6249A>G on transcript NM_001376.5 (MANE Select); coding-DNA position 6249, A replaced by G.
Protein change: p.Gln2083=; no amino-acid change (glutamine 2083 retained).
Molecular consequence: synonymous variant.
Genome position (GRCh38, 1-based): chr14:102,010,303, A>G. VCF-style: chr14-102010303-A-G. GRCh37 (hg19) VCF-style: chr14-102476640-A-G.
Identifiers: ClinVar variation 618071 (VCV000618071.9), dbSNP rs754533185, ClinGen allele CA7352587.

ClinVar aggregate classification (germline): Likely benign (1 of 4 stars; one submission).

Allele frequency attached by ClinVar (database versions not stated): gnomAD exomes below 0.00001 and 0.00001; ExAC 0.00001.
gnomAD v4.1: 3 of 1,613,984 alleles (0.00019%); highest among the groups gnomAD compares: South Asian, 0.0033%; no homozygotes.

Submission:

ARUP Laboratories, Molecular Genetics and Genomics, ARUP Laboratories
Classification: Likely benign. Last evaluated: 2018-03-23. Review status: criteria provided, single submitter. Criteria: ARUP Molecular Germline Variant Investigation Process. Collection method: clinical testing. Allele origin: germline.
Comment: The c.6249A>G; p.Gln2083Gln variant (rs754533185) does not alter the amino acid sequence of the DYNC1H1 protein and computational splice site prediction algorithms do not predict a change in the nearest splice site or creation of a cryptic splice site. This variant has not been reported in association with CMT in medical literature or in gene specific variation databases. This variant is listed in the genome Aggregation Database (gnomAD) with an overall population frequency of 0.0008% (identified on 2 out of 245,966 chromosomes). Based on the available information, the c.6249A>G variant is likely to be benign.